The following is an entry in ClinVar:

NM_000383.4(AIRE):c.932G>A (p.Cys311Tyr)

Gene: AIRE (autoimmune regulator; plus strand). Cytogenetic location: 21q22.3.
Variant type: single nucleotide variant.
Coding change: c.932G>A on transcript NM_000383.4 (MANE Select); coding-DNA position 932, G replaced by A.
Protein change: p.Cys311Tyr; replaces cysteine 311 with tyrosine.
Molecular consequence: missense variant.
Genome position (GRCh38, 1-based): chr21:44,291,147, G>A. VCF-style: chr21-44291147-G-A. GRCh37 (hg19) VCF-style: chr21-45711030-G-A.
Other names: c.932G>A (LRG_18t1); short protein forms C311Y.
Identifiers: ClinVar variation 56223 (VCV000056223.2), dbSNP rs386833674, ClinGen allele CA144209.

ClinVar aggregate classification (germline): Likely pathogenic (0 of 4 stars; one submission).

Conditions:
Polyglandular autoimmune syndrome, type 1 (APS1). Also called: AUTOIMMUNE POLYENDOCRINE SYNDROME, TYPE I, WITH OR WITHOUT REVERSIBLE METAPHYSEAL DYSPLASIA; APS I; HYPOADRENOCORTICISM WITH HYPOPARATHYROIDISM AND SUPERFICIAL MONILIASIS; PGA I; Autoimmune polyendocrine syndrome type 1; Whitaker syndrome. Identifiers: Orphanet 3453, MedGen C0085859, MONDO:0009411, OMIM 240300.

Submission:

Juha Muilu Group; Institute for Molecular Medicine Finland (FIMM)
Classification: Likely pathogenic for Polyglandular autoimmune syndrome, type 1. Review status: no assertion criteria provided. Collection method: not provided. Allele origin: unknown.
Comment: FinDis database variant: FinDis database variant: This variant was not found or characterized by our laboratory, data were collected from public sources: see reference
ClinVar note: Converted during submission from probable-pathogenic to Likely pathogenic.